The following is an entry in ClinVar:

ClinVar aggregate classification (germline): Uncertain significance. Review status: criteria provided, multiple submitters, no conflicts (2 of 4 stars). 4 submissions from 4 submitters: Uncertain significance (3). 1 of the submissions does not count toward it. Last evaluated 2024-03-07.

Conditions:
Hereditary cancer-predisposing syndrome. Also called: Tumor predisposition; Hereditary Cancer Syndrome; Hereditary neoplastic syndrome; Neoplastic Syndromes, Hereditary. Identifiers: Orphanet 140162, MedGen C0027672, MeSH D009386, MONDO:0015356.
Ataxia-telangiectasia syndrome (AT). Also called: Ataxia telangiectasia (A-T); LOUIS-BAR SYNDROME; Cerebello-oculocutaneous telangiectasia; Immunodeficiency with ataxia telangiectasia; ATAXIA-TELANGIECTASIA, COMPLEMENTATION GROUP A; ATAXIA-TELANGIECTASIA, FRESNO VARIANT. Identifiers: Orphanet 100, MedGen C0004135, MONDO:0008840, OMIM 208900.

Submissions (4):

Ambry Genetics
Classification: Uncertain significance for Hereditary cancer-predisposing syndrome. Last evaluated: 2024-03-07. Review status: criteria provided, single submitter. Criteria: Ambry Variant Classification Scheme 2023. Collection method: clinical testing. Allele origin: germline.
Comment: The p.C1495F variant (also known as c.4484G>T), located in coding exon 29 of the ATM gene, results from a G to T substitution at nucleotide position 4484. The cysteine at codon 1495 is replaced by phenylalanine, an amino acid with highly dissimilar properties. This amino acid position is conserved. In addition, the in silico prediction for this alteration is inconclusive. Based on the available evidence, the clinical significance of this alteration remains unclear.

Color Diagnostics, LLC DBA Color Health
Classification: Uncertain significance for Hereditary cancer-predisposing syndrome. Last evaluated: 2024-03-06. Review status: criteria provided, single submitter. Criteria: ACMG Guidelines, 2015. Collection method: clinical testing. Allele origin: germline.
Comment: This missense variant replaces cysteine with phenylalanine at codon 1495 of the ATM protein. Computational prediction is inconclusive regarding the impact of this variant on protein structure and function (internally defined REVEL score threshold 0.5 < inconclusive < 0.7, PMID: 27666373). Splice site prediction tools suggest that this variant may not impact RNA splicing. To our knowledge, functional studies have not been performed for this variant. This variant has not been reported in individuals affected with hereditary cancer in the literature. This variant has not been identified in the general population by the Genome Aggregation Database (gnomAD). The available evidence is insufficient to determine the role of this variant in disease conclusively. Therefore, this variant is classified as a Variant of Uncertain Significance.

Labcorp Genetics (formerly Invitae), Labcorp
Classification: Uncertain significance for Ataxia-telangiectasia syndrome. Last evaluated: 2023-10-13. Review status: criteria provided, single submitter. Criteria: Invitae Variant Classification Sherloc (09022015). Collection method: clinical testing. Allele origin: germline.
Comment: This sequence change replaces cysteine, which is neutral and slightly polar, with phenylalanine, which is neutral and non-polar, at codon 1495 of the ATM protein (p.Cys1495Phe). This variant is not present in population databases (gnomAD no frequency). This variant has not been reported in the literature in individuals affected with ATM-related conditions. ClinVar contains an entry for this variant (Variation ID: 236718). An algorithm developed to predict the effect of missense changes on protein structure and function (PolyPhen-2) suggests that this variant is likely to be tolerated. RNA analysis performed to evaluate the impact of this missense change on mRNA splicing indicates it does not significantly alter splicing (Invitae). In summary, the available evidence is currently insufficient to determine the role of this variant in disease. Therefore, it has been classified as a Variant of Uncertain Significance.

Natera, Inc.
Classification: Uncertain significance for Ataxia-telangiectasia. Last evaluated: 2021-10-18. Review status: no assertion criteria provided. Collection method: clinical testing. Allele origin: germline. Not counted in ClinVar's aggregate classification.

NM_000051.4(ATM):c.4484G>T (p.Cys1495Phe)

Gene: ATM (ATM serine/threonine kinase; plus strand). Cytogenetic location: 11q22.3.
Variant type: single nucleotide variant.
Coding change: c.4484G>T on transcript NM_000051.4 (MANE Select); coding-DNA position 4484, G replaced by T.
Protein change: p.Cys1495Phe; replaces cysteine 1495 with phenylalanine.
Molecular consequence: missense variant.
Genome position (GRCh38, 1-based): chr11:108,292,666, G>T. VCF-style: chr11-108292666-G-T. GRCh37 (hg19) VCF-style: chr11-108163393-G-T.
Other names: c.4484G>T, p.Cys1495Phe (NM_001351834.2); short protein forms C1495F.
Identifiers: ClinVar variation 236718 (VCV000236718.21), dbSNP rs878853510, ClinGen allele CA10582818.